The following is an entry in ClinVar:

ClinVar aggregate classification (germline): Conflicting classifications of pathogenicity. Review status: criteria provided, conflicting classifications (1 of 4 stars). 6 submissions from 6 submitters: Uncertain significance (4); Likely benign (1). 1 of the submissions does not count toward it. Last evaluated 2026-01-28.

Conditions:
TPP1-related disorder. Also called: TPP1-related condition.
Inborn genetic diseases. Identifiers: MedGen C0950123, MeSH D030342.
Neuronal ceroid lipofuscinosis 2. Also called: TPP1-Related Neuronal Ceroid-Lipofuscinosis; JANSKY-BIELSCHOWSKY DISEASE NEURONAL CEROID LIPOFUSCINOSIS, LATE INFANTILE. Identifiers: Orphanet 168491, Orphanet 228349, Orphanet 79264, MedGen C1876161, MONDO:0008769, OMIM 204500.

Allele frequency attached by ClinVar (database versions not stated): gnomAD 0.00001; TOPMed 0.00002; gnomAD exomes 0.00007 and 0.00012; ExAC 0.00012.
gnomAD v4.1: 109 of 1,613,958 alleles (0.0068%); highest among the groups gnomAD compares: South Asian, 0.068%; no homozygotes.

Submissions (6):

Labcorp Genetics (formerly Invitae), Labcorp
Classification: Likely benign. Last evaluated: 2026-01-28. Review status: criteria provided, single submitter. Criteria: Invitae Variant Classification Sherloc (09022015). Collection method: clinical testing. Allele origin: germline.

PreventionGenetics, part of Exact Sciences
Classification: Uncertain significance for TPP1-related condition. Last evaluated: 2024-11-07. Review status: criteria provided, single submitter. Criteria: ACMG Guidelines, 2015. Collection method: clinical testing. Allele origin: germline.
Comment: The TPP1 c.1543C>T variant is predicted to result in the amino acid substitution p.Leu515Phe. To our knowledge, this variant has not been reported in the literature. This variant is reported in 0.075% of alleles in individuals of South Asian descent in gnomAD, which may be too common for an undocumented cause of disease. Although we suspect that this variant may be benign, at this time, the clinical significance is uncertain due to the absence of conclusive functional and genetic evidence.

Ambry Genetics
Classification: Uncertain significance for Inborn genetic diseases. Last evaluated: 2024-10-28. Review status: criteria provided, single submitter. Criteria: Ambry Variant Classification Scheme 2023. Collection method: clinical testing. Allele origin: germline.

Blueprint Genetics
Classification: Uncertain significance. Last evaluated: 2023-11-06. Review status: criteria provided, single submitter. Criteria: ACMG Guidelines, 2015. Collection method: clinical testing. Allele origin: germline.

GeneDx
Classification: Uncertain significance. Last evaluated: 2018-11-15. Review status: criteria provided, single submitter. Criteria: GeneDx Variant Classification (06012015). Collection method: clinical testing. Allele origin: germline. Affected: yes.
Comment: A variant of uncertain significance has been identified in the TPP1 gene. The L515F variant has not been published as a pathogenic variant, nor has it been reported as a benign variant to our knowledge. It was not observed in approximately 6,500 individuals of European and African American ancestry in the NHLBI Exome Sequencing Project, indicating it is not a common benign variant in these populations. The L515F variant is a conservative amino acid substitution, which is not likely to impact secondary protein structure as these residues share similar properties. However, this substitution occurs at a position that is conserved across species. In silico analysis is inconsistent in its predictions as to whether or not the variant is damaging to the protein structure/function. Therefore, based on the currently available information, it is unclear whether this variant is a pathogenic variant or a rare benign variant.

Natera, Inc.
Classification: Uncertain significance for Neuronal ceroid lipofuscinosis 2. Last evaluated: 2020-04-14. Review status: no assertion criteria provided. Collection method: clinical testing. Allele origin: germline. Not counted in ClinVar's aggregate classification.

NM_000391.4(TPP1):c.1543C>T (p.Leu515Phe)

Gene: TPP1 (tripeptidyl peptidase 1; minus strand). Cytogenetic location: 11p15.4.
Variant type: single nucleotide variant.
Coding change: c.1543C>T on transcript NM_000391.4 (MANE Select); coding-DNA position 1543, C replaced by T.
Protein change: p.Leu515Phe; replaces leucine 515 with phenylalanine.
Molecular consequence: missense variant.
Genome position (GRCh38, 1-based): chr11:6,614,874, G>A on the plus strand (C>T on the coding strand, the complement: TPP1 is on the minus strand). VCF-style: chr11-6614874-G-A. GRCh37 (hg19) VCF-style: chr11-6636105-G-A.
Other names: p.L515F:CTC>TTC; short protein forms L515F.
Identifiers: ClinVar variation 207595 (VCV000207595.18), dbSNP rs748345018, ClinGen allele CA319216.